The following is an entry in ClinVar:

NM_000455.5(STK11):c.952G>T (p.Ala318Ser)

Gene: STK11 (serine/threonine kinase 11; plus strand). Cytogenetic location: 19p13.3.
Variant type: single nucleotide variant.
Coding change: c.952G>T on transcript NM_000455.5 (MANE Select); coding-DNA position 952, G replaced by T.
Protein change: p.Ala318Ser; replaces alanine 318 with serine.
Molecular consequence: missense variant. On other transcripts: non-coding transcript variant (1).
Genome position (GRCh38, 1-based): chr19:1,223,016, G>T. VCF-style: chr19-1223016-G-T. GRCh37 (hg19) VCF-style: chr19-1223015-G-T.
Other names: c.952G>T, p.Ala318Ser (NM_001407255.1); short protein forms A318S.
Identifiers: ClinVar variation 3450585 (VCV003450585.1).

ClinVar aggregate classification (germline): Uncertain significance (1 of 4 stars; one submission).

Conditions:
Hereditary cancer-predisposing syndrome. Also called: Tumor predisposition; Neoplastic Syndromes, Hereditary; Hereditary neoplastic syndrome; Hereditary Cancer Syndrome. Identifiers: Orphanet 140162, MedGen C0027672, MeSH D009386, MONDO:0015356.

Submission:

Ambry Genetics
Classification: Uncertain significance for Hereditary cancer-predisposing syndrome. Last evaluated: 2024-11-12. Review status: criteria provided, single submitter. Criteria: Ambry Variant Classification Scheme 2023. Collection method: clinical testing. Allele origin: germline.
Comment: The p.A318S variant (also known as c.952G>T), located in coding exon 8 of the STK11 gene, results from a G to T substitution at nucleotide position 952. The alanine at codon 318 is replaced by serine, an amino acid with similar properties. This amino acid position is conserved. In addition, this alteration is predicted to be tolerated by in silico analysis. Based on the available evidence, the clinical significance of this variant remains unclear.